The following is an entry in ClinVar:

ClinVar aggregate classification (germline): Conflicting classifications of pathogenicity. Review status: criteria provided, conflicting classifications (1 of 4 stars). 2 submissions from 2 submitters: Uncertain significance (1); Likely benign (1). Last evaluated 2026-01-28.

Conditions:
Temtamy syndrome (TEMTYS). Also called: MENTAL RETARDATION WITH OR WITHOUT CRANIOFACIAL DYSMORPHISM, OCULAR COLOBOMA, OR ABNORMAL CORPUS CALLOSUM. Identifiers: Orphanet 1777, MedGen C1857512, MONDO:0009033, OMIM 218340.

Allele frequency attached by ClinVar (database versions not stated): gnomAD exomes 0.00011 and 0.00035; ESP Exome Variant Server 0.00015; gnomAD 0.00025 and 0.00026; TOPMed 0.00025; ExAC 0.00033; 1000 Genomes Project 30x 0.00078; 1000 Genomes Project 0.00080.
gnomAD v4.1: 205 of 1,611,438 alleles (0.013%); highest among the groups gnomAD compares: Admixed American, 0.19%; 1 homozygote.

Submissions (2):

Labcorp Genetics (formerly Invitae), Labcorp
Classification: Likely benign for Temtamy syndrome. Last evaluated: 2026-01-28. Review status: criteria provided, single submitter. Criteria: Invitae Variant Classification Sherloc (09022015). Collection method: clinical testing. Allele origin: germline.

GeneDx
Classification: Uncertain significance. Last evaluated: 2024-06-09. Review status: criteria provided, single submitter. Criteria: GeneDx Variant Classification Process June 2021. Collection method: clinical testing. Allele origin: germline. Affected: yes.
Comment: In silico analysis indicates that this variant does not alter splicing; Has not been previously published as pathogenic or benign to our knowledge

NM_138425.4(C12orf57):c.53-3C>T

Gene: C12orf57 (chromosome 12 open reading frame 57; plus strand). Cytogenetic location: 12p13.31.
Variant type: single nucleotide variant.
Coding change: c.53-3C>T on transcript NM_138425.4 (MANE Select); 3 bases into the intron before coding-DNA position 53, C replaced by T.
Molecular consequence: intron variant. On other transcripts: 5 prime UTR variant (1), non-coding transcript variant (1).
Genome position (GRCh38, 1-based): chr12:6,944,473, C>T. VCF-style: chr12-6944473-C-T. GRCh37 (hg19) VCF-style: chr12-7053636-C-T.
Other names: c.-56C>T (NM_001301838.2); c.14-3C>T (NM_001301836.2); c.53-3C>T (NM_001301834.1, NM_001301837.2).
Identifiers: ClinVar variation 466310 (VCV000466310.12), dbSNP rs191711101, ClinGen allele CA6421243.
Genomic context (GRCh38, chr12:6,944,473, plus strand): 5'-GGCCCGCTGTCTGTTCTCCGACGCCTACCCGGGACGCCTCCCTGGGATGCTTCTGGCGCG[C>T]AGTGGTCCTCGCGGAGGTGATCCAGGCGTTCTCCGCCCCGGAGAATGCAGTGCGCATGGA-3'